The following continues an entry in ClinVar:

NM_000492.4(CFTR):c.2125C>T (p.Arg709Ter)

Gene: CFTR. ClinVar aggregate classification (germline): Pathogenic. Pathogenic (1).

Submissions 17 to 19 of 19:

Women's Health and Genetics/Laboratory Corporation of America, LabCorp
Classification: Pathogenic for Cystic fibrosis. Last evaluated: 2017-06-23. Review status: criteria provided, single submitter. Criteria: LabCorp Variant Classification Summary - May 2015. Collection method: clinical testing. Allele origin: germline. Not counted in ClinVar's aggregate classification.
Comment: Variant summary: The CFTR c.2125C>T (p.Arg709X) variant results in a premature termination codon, predicted to cause a truncated or absent CFTR protein due to nonsense mediated decay, which are commonly known mechanisms for disease. Truncations downstream of this position have been classified as pathogenic by our laboratory (e.g.c.3266G>A/p.Trp1089X, c.3276C>A/p.Tyr1092X). One in silico tool predicts a damaging outcome for this variant. This variant was found in 2/119868 control chromosomes at a frequency of 0.0000167, which does not exceed the estimated maximal expected allele frequency of a pathogenic CFTR variant (0.0129603). This variant has been reported in multiple CF patients. In addition, multiple clinical diagnostic laboratories/reputable databases classified this variant as pathogenic. Taken together, this variant is classified as pathogenic.

Baylor Genetics
Classification: Pathogenic for Congenital bilateral aplasia of vas deferens from CFTR mutation; Cystic fibrosis. Review status: criteria provided, single submitter. Criteria: ACMG Guidelines, 2015. Collection method: clinical testing. Allele origin: germline. Not counted in ClinVar's aggregate classification.

Neuberg Centre For Genomic Medicine, NCGM
Classification: Pathogenic for Cystic fibrosis. Review status: criteria provided, single submitter. Criteria: ACMG Guidelines, 2015. Collection method: clinical testing. Allele origin: germline. Affected: yes. Not counted in ClinVar's aggregate classification.
Comment: The stop gained p.R709Ter in CFTR (NM_000492.3) has been previously reported in pancreatic insufficient cystic fibrosis patients (Sosnay PR et al). It has been classified as a Pathogenic mutation by the ClinVar expert panel. It has been submitted to ClinVar as Pathogenic. The p.R709Ter variant is observed in 4/30,772 (0.0130%) alleles from individuals of South Asian background in gnomAD Exomes and is novel (not in any individuals) in 1000 Genomes. This variant is predicted to cause loss of normal protein function through protein truncation. For these reasons, this variant has been classified as Pathogenic.

Literature cited by the submitters: PubMed 27081564 (cited by Natera, Inc.); PubMed 23974870 (cited by 6 submitters); PubMed 22658665 (cited by 3 submitters); PubMed 7535742 (cited by 5 submitters); PubMed 22395041 (cited by Quest Diagnostics Nichols Institute San Juan Capistrano and AiLife Diagnostics); PubMed 22975760 (cited by Quest Diagnostics Nichols Institute San Juan Capistrano and AiLife Diagnostics); PubMed 26948992 (cited by Quest Diagnostics Nichols Institute San Juan Capistrano); PubMed 9482579 (cited by 3 submitters); PubMed 9439669 (cited by Quest Diagnostics Nichols Institute San Juan Capistrano and Women's Health and Genetics/Laboratory Corporation of America, LabCorp); PubMed 32026723 (cited by Quest Diagnostics Nichols Institute San Juan Capistrano); PubMed 38966678 (cited by Quest Diagnostics Nichols Institute San Juan Capistrano); PubMed 35858753 (cited by Quest Diagnostics Nichols Institute San Juan Capistrano); PubMed 34782259 (cited by Quest Diagnostics Nichols Institute San Juan Capistrano); PubMed 32539862 (cited by Quest Diagnostics Nichols Institute San Juan Capistrano and AiLife Diagnostics); PubMed 1695717 (cited by Labcorp Genetics (formerly Invitae), Labcorp); PubMed 7691345 (cited by Labcorp Genetics (formerly Invitae), Labcorp); PubMed 9725922 (cited by Labcorp Genetics (formerly Invitae), Labcorp); PubMed 20059485 (cited by Labcorp Genetics (formerly Invitae), Labcorp); PubMed 31036917 (cited by AiLife Diagnostics); PubMed 31980526 (cited by AiLife Diagnostics); PubMed 31130284 (cited by AiLife Diagnostics); PubMed 25525159 (cited by AiLife Diagnostics).